The following is an entry in ClinVar:

ClinVar aggregate classification (germline): Uncertain significance (1 of 4 stars; one submission).

Submission:

GeneDx
Classification: Uncertain significance. Last evaluated: 2026-06-10. Review status: criteria provided, single submitter. Criteria: GeneDx Variant Classification Process June 2021. Collection method: clinical testing. Allele origin: germline.
Comment: Not observed at significant frequency in large population cohorts (gnomAD); In-frame deletion of 1 amino acid in a non-repeat region; In silico analysis supports a deleterious effect on protein structure/function; Has not been previously published as pathogenic or benign to our knowledge.

NM_000702.4(ATP1A2):c.3046_3048del (p.Lys1016del)

Gene: ATP1A2 (ATPase Na+/K+ transporting subunit alpha 2; plus strand). Cytogenetic location: 1q23.2.
Variant type: Deletion.
Coding change: c.3046_3048del on transcript NM_000702.4 (MANE Select); coding-DNA positions 3046 to 3048, 3 bases deleted (AAG; older notation c.3046_3048delAAG).
Protein change: p.Lys1016del; deletes lysine 1016.
Molecular consequence: inframe deletion. On other transcripts: inframe indel (1).
Genome position (GRCh38, 1-based): chr1:160,141,305-160,141,307, AAG deleted; deleting any 3 consecutive bases within chr1:160,141,303-160,141,307 gives the same sequence; the c. name uses the placement nearest the transcript's 3' end. VCF-style (leftmost placement, unchanged base first): chr1-160141302-GAGA-G. GRCh37 (hg19) VCF-style: chr1-160111092-GAGA-G.
Other names: c.3046_3048delAAG, p.Lys1016del (NM_000702.3); short protein forms K1016del.
Identifiers: ClinVar variation 3392610 (VCV003392610.2).